The following is an entry in ClinVar:

ClinVar aggregate classification (germline): Uncertain significance. Review status: criteria provided, multiple submitters, no conflicts (2 of 4 stars). 2 submissions from 2 submitters: Uncertain significance (2). Last evaluated 2025-05-08.

Conditions:
Hereditary cancer-predisposing syndrome. Also called: Neoplastic Syndromes, Hereditary; Hereditary neoplastic syndrome; Hereditary Cancer Syndrome; Tumor predisposition. Identifiers: Orphanet 140162, MedGen C0027672, MeSH D009386, MONDO:0015356.
Neuroblastoma, susceptibility to, 3. Also called: ALK-Related Neuroblastic Tumor Susceptibility. Identifiers: Orphanet 635, MedGen C2751681, MONDO:0013083, OMIM 613014.

Submissions (2):

Ambry Genetics
Classification: Uncertain significance for Hereditary cancer-predisposing syndrome. Last evaluated: 2025-05-08. Review status: criteria provided, single submitter. Criteria: Ambry Variant Classification Scheme 2023. Collection method: clinical testing. Allele origin: germline.
Comment: The p.P1191T variant (also known as c.3571C>A), located in coding exon 23 of the ALK gene, results from a C to A substitution at nucleotide position 3571. The proline at codon 1191 is replaced by threonine, an amino acid with highly similar properties. This amino acid position is conserved. In addition, this alteration is predicted to be deleterious by in silico analysis. Based on the available evidence, the clinical significance of this variant remains unclear.

Labcorp Genetics (formerly Invitae), Labcorp
Classification: Uncertain significance for Neuroblastoma, susceptibility to, 3. Last evaluated: 2024-03-02. Review status: criteria provided, single submitter. Criteria: Invitae Variant Classification Sherloc (09022015). Collection method: clinical testing. Allele origin: germline.
Comment: This sequence change replaces proline, which is neutral and non-polar, with threonine, which is neutral and polar, at codon 1191 of the ALK protein (p.Pro1191Thr). This variant is not present in population databases (gnomAD no frequency). This variant has not been reported in the literature in individuals affected with ALK-related conditions. ClinVar contains an entry for this variant (Variation ID: 2162469). An algorithm developed to predict the effect of missense changes on protein structure and function (PolyPhen-2) suggests that this variant is likely to be disruptive. In summary, the available evidence is currently insufficient to determine the role of this variant in disease. Therefore, it has been classified as a Variant of Uncertain Significance.

NM_004304.5(ALK):c.3571C>A (p.Pro1191Thr)

Gene: ALK (ALK receptor tyrosine kinase; minus strand). Cytogenetic location: 2p23.2.
Variant type: single nucleotide variant.
Coding change: c.3571C>A on transcript NM_004304.5 (MANE Select); coding-DNA position 3571, C replaced by A.
Protein change: p.Pro1191Thr; replaces proline 1191 with threonine.
Molecular consequence: missense variant.
Genome position (GRCh38, 1-based): chr2:29,220,780, G>T on the plus strand (C>A on the coding strand, the complement: ALK is on the minus strand). VCF-style: chr2-29220780-G-T. GRCh37 (hg19) VCF-style: chr2-29443646-G-T.
Other names: c.367C>A, p.Pro123Thr (NM_001353765.2); c.3571C>A (NM_004304.4); short protein forms P1191T, P123T.
Identifiers: ClinVar variation 2162469 (VCV002162469.4), dbSNP rs2148166559, ClinGen allele CA346473088.